The following is an entry in ClinVar:

NM_000089.4(COL1A2):c.1197+5G>A

Gene: COL1A2 (collagen type I alpha 2 chain; plus strand). Cytogenetic location: 7q21.3.
Variant type: single nucleotide variant.
Coding change: c.1197+5G>A on transcript NM_000089.4 (MANE Select); 5 bases into the intron after coding-DNA position 1197, G replaced by A.
Molecular consequence: intron variant.
Genome position (GRCh38, 1-based): chr7:94,410,532, G>A. VCF-style: chr7-94410532-G-A. GRCh37 (hg19) VCF-style: chr7-94039844-G-A.
Other names: IVS21DS, G-A, +5; c.1197+5G>A (LRG_2t1).
Identifiers: ClinVar variation 425646 (VCV000425646.9), dbSNP rs68132885, ClinGen allele CA162921230.

ClinVar aggregate classification (germline): Pathogenic. Review status: criteria provided, multiple submitters, no conflicts (2 of 4 stars). 6 submissions from 6 submitters: Pathogenic (4). 2 of the submissions do not count toward it. Last evaluated 2025-07-16.

Conditions:
Osteogenesis imperfecta type I (OI1). Also called: OI, TYPE I; OSTEOGENESIS IMPERFECTA TARDA; OSTEOGENESIS IMPERFECTA WITH BLUE SCLERAE; Classic Non-deforming Osteogenesis Imperfecta with Blue Sclerae; Lobstein disease; Osteogenesis imperfecta type 1. Identifiers: Orphanet 216796, Orphanet 666, MedGen C0023931, MONDO:0008146, OMIM 166200. Disease mechanism: loss of function.
Ehlers-Danlos syndrome, classic type, 1 (EDSCL1). Also called: EHLERS-DANLOS SYNDROME, GRAVIS TYPE; EHLERS-DANLOS SYNDROME, SEVERE CLASSIC TYPE; EDS I; Ehlers-Danlos Syndrome, Classic Type, COL5A1-Related; Ehlers-Danlos syndrome, type 1. Identifiers: MedGen C0268335, MONDO:0019567, OMIM 130000.
Osteogenesis imperfecta, perinatal lethal (OI2). Also called: OI, TYPE II; OSTEOGENESIS IMPERFECTA CONGENITA; VROLIK TYPE OF OSTEOGENESIS IMPERFECTA; Osteogenesis imperfecta, dominant perinatal lethal; OSTEOGENESIS IMPERFECTA, TYPE II; Osteogenesis imperfecta type 2. Identifiers: Orphanet 216804, MedGen C0268358, MONDO:0008147, OMIM 166210.
Osteogenesis imperfecta with normal sclerae, dominant form (OI4). Also called: OSTEOGENESIS IMPERFECTA WITH NORMAL SCLERAE; OSTEOGENESIS IMPERFECTA, TYPE IV, WITH DENTINOGENESIS IMPERFECTA; Common Variable Osteogenesis Imperfecta with Normal Sclerae; Osteogenesis Imperfecta Type IV; Osteogenesis imperfecta type 4. Identifiers: Orphanet 216820, Orphanet 666, MedGen C0268363, MONDO:0008148, OMIM 166220.

Submissions (6):

Clinical Biomedical Laboratory, Shriners Hospital For Children - Canada
Classification: Pathogenic for Osteogenesis imperfecta type I. Last evaluated: 2025-07-16. Review status: criteria provided, single submitter. Criteria: ACMG Guidelines, 2015. Collection method: clinical testing. Allele origin: germline. Affected: yes.
Comment: This variant affects a nucleotide in the splice region of COL1A2. This variant is absent from the Genome Aggregation Database v.2.1.1, indicating it is very rare. Functional studies demonstrate that this variant results in skipping of exon 21 and the resulting protein showed intracellular retention (PMID: 8829655) This variant has been previously reported in association with osteogenesis imperfecta (PMID: 25944380). Variants affecting splice sites in COL1A2 are a typical cause of osteogenesis imperfecta.

Labcorp Genetics (formerly Invitae), Labcorp
Classification: Pathogenic for Osteogenesis imperfecta type I; Ehlers-Danlos syndrome, classic type, 1. Last evaluated: 2023-09-10. Review status: criteria provided, single submitter. Criteria: Invitae Variant Classification Sherloc (09022015). Collection method: clinical testing. Allele origin: germline.
Comment: For these reasons, this variant has been classified as Pathogenic. This variant disrupts the triple helix domain of COL1A2. Glycine residues within the Gly-Xaa-Yaa repeats of the triple helix domain are required for the structure and stability of fibrillar collagens (PMID: 7695699, 8218237, 19344236). In COL1A2, variants affecting these glycine residues are significantly enriched in individuals with disease (PMID: 9016532, 17078022) compared to the general population (ExAC). Variants that disrupt the consensus splice site are a relatively common cause of aberrant splicing (PMID: 17576681, 9536098). Studies have shown that this variant results in skipping of exon 21, but is expected to preserve the integrity of the reading-frame (PMID: 17078022). ClinVar contains an entry for this variant (Variation ID: 425646). This variant is also known as g.17903G>A, IVS21+5G>A. This variant has been observed in individual(s) with autosomal dominant osteogenesis imperfecta (PMID: 17078022, 30715774). This variant is not present in population databases (gnomAD no frequency). This sequence change falls in intron 21 of the COL1A2 gene. It does not directly change the encoded amino acid sequence of the COL1A2 protein. RNA analysis indicates that this variant induces altered splicing and likely results in a shortened protein product.

GeneDx
Classification: Pathogenic. Last evaluated: 2019-05-22. Review status: criteria provided, single submitter. Criteria: GeneDx Variant Classification Process June 2021. Collection method: clinical testing. Allele origin: germline. Affected: yes.
Comment: Published functional studies demonstrate that the c.1197+5 G>A results in skipping of exon 21 encoding Gly-X-Y repeats and the resulting protein showed intracellular retention (Nicholls et al., 1996); Not observed in large population cohorts (Lek et al., 2016); This variant is associated with the following publications: (PMID: 25525159, 26177859, 17078022, 8829655, 28498836, 25944380, 27510842, 30715774, 31414283)

Genetic Laboratory, Lianyungang Maternal and Child Health Hospital Affiliated to Kangda College of Nanjing Medical University
Classification: Pathogenic for Osteogenesis imperfecta, perinatal lethal. Review status: criteria provided, single submitter. Criteria: ACMG Guidelines, 2015. Collection method: research. Allele origin: paternal. Affected: yes.

OMIM
Classification: Pathogenic for OSTEOGENESIS IMPERFECTA, TYPE IV, WITH DENTINOGENESIS IMPERFECTA. Last evaluated: 1996-01-01. Review status: no assertion criteria provided. Collection method: literature only. Allele origin: germline. Not counted in ClinVar's aggregate classification.

Department of Medical Sciences, Uppsala University
Classification: Pathogenic for OI type I. Review status: no assertion criteria provided. Collection method: clinical testing. Allele origin: unknown. Affected: yes. Observed: 1 variant allele. Not counted in ClinVar's aggregate classification.

Literature cited by the submitters: PubMed 8829655 (cited by 3 submitters); PubMed 25944380 (cited by 3 submitters); PubMed 7695699 (cited by Labcorp Genetics (formerly Invitae), Labcorp); PubMed 8218237 (cited by Labcorp Genetics (formerly Invitae), Labcorp); PubMed 19344236 (cited by Labcorp Genetics (formerly Invitae), Labcorp); PubMed 9016532 (cited by Labcorp Genetics (formerly Invitae), Labcorp); PubMed 17078022 (cited by Labcorp Genetics (formerly Invitae), Labcorp); PubMed 17576681 (cited by Labcorp Genetics (formerly Invitae), Labcorp); PubMed 9536098 (cited by Labcorp Genetics (formerly Invitae), Labcorp); PubMed 30715774 (cited by Labcorp Genetics (formerly Invitae), Labcorp); PubMed 28498836 (cited by Genetic Laboratory, Lianyungang Maternal and Child Health Hospital Affiliated to Kangda College of Nanjing Medical University).